The following is an entry in ClinVar:

NM_001375524.1(TRRAP):c.6733G>T (p.Glu2245Ter)

Gene: TRRAP (transformation/transcription domain associated protein; plus strand). Cytogenetic location: 7q22.1.
Variant type: single nucleotide variant.
Coding change: c.6733G>T on transcript NM_001375524.1 (MANE Select); coding-DNA position 6733, G replaced by T.
Protein change: p.Glu2245Ter; replaces glutamic acid 2245 with a stop codon.
Molecular consequence: nonsense.
Genome position (GRCh38, 1-based): chr7:98,962,331, G>T. VCF-style: chr7-98962331-G-T. GRCh37 (hg19) VCF-style: chr7-98559954-G-T.
Other names: c.6712G>T, p.Glu2238Ter (NM_001244580.2); c.6658G>T, p.Glu2220Ter (NM_003496.4); short protein forms E2238*, E2245*, E2220*.
Identifiers: ClinVar variation 3726629 (VCV003726629.2).
Genomic context (GRCh38, chr7:98,962,331, plus strand): 5'-CCACAGTGCCTGGGTCCCTGCCCTGTTGTAGGTACTTCCAGTGTGGCCTCCAAATATGAA[G>T]AGCTGGAGTGCCTCTACGCAGCCGTCGGAAAGGTCATCTATGAAGGGCTCACCAACTACG-3'

ClinVar aggregate classification (germline): Uncertain significance (1 of 4 stars; one submission).

Submission:

Labcorp Genetics (formerly Invitae), Labcorp
Classification: Uncertain significance. Last evaluated: 2024-12-15. Review status: criteria provided, single submitter. Criteria: Invitae Variant Classification Sherloc (09022015). Collection method: clinical testing. Allele origin: germline.
Comment: This sequence change creates a premature translational stop signal (p.Glu2220*) in the TRRAP gene. It is expected to result in an absent or disrupted protein product. However, the current clinical and genetic evidence is not sufficient to establish whether loss-of-function variants in TRRAP cause disease. This variant is not present in population databases (gnomAD no frequency). This variant has not been reported in the literature in individuals affected with TRRAP-related conditions. In summary, the available evidence is currently insufficient to determine the role of this variant in disease. Therefore, it has been classified as a Variant of Uncertain Significance.